The following is an entry in ClinVar:

ClinVar aggregate classification (germline): Likely benign. Review status: criteria provided, multiple submitters, no conflicts (2 of 4 stars). 3 submissions from 3 submitters: Likely benign (2). 1 of the submissions does not count toward it. Last evaluated 2026-01-12.

Conditions:
SRD5A3-related disorder. Also called: SRD5A3-related condition; SRD5A3-Related Disorders.
SRD5A3-congenital disorder of glycosylation. Also called: Congenital disorder of glycosylation type 1Q; Ocular colobomas, ichthyosis, brain malformations and endocrine abnormalities; CDG Iq; SRD5A3-CDG; COLOBOMA, OCULAR, WITH ICHTHYOSIS, BRAIN MALFORMATIONS, AND ENDOCRINE ABNORMALITIES. Identifiers: Orphanet 324737, MedGen C4317224, MONDO:0012885, OMIM 612379.

Allele frequency attached by ClinVar (database versions not stated): gnomAD 0.00001; gnomAD exomes 0.00003 and 0.00006; ExAC 0.00005; TOPMed 0.00005.
gnomAD v4.1: 16 of 1,614,040 alleles (0.00099%); highest among the groups gnomAD compares: Admixed American, 0.027%; no homozygotes.

Submissions (3):

Labcorp Genetics (formerly Invitae), Labcorp
Classification: Likely benign for SRD5A3-congenital disorder of glycosylation. Last evaluated: 2026-01-12. Review status: criteria provided, single submitter. Criteria: Invitae Variant Classification Sherloc (09022015). Collection method: clinical testing. Allele origin: germline.

Blueprint Genetics
Classification: Likely benign. Last evaluated: 2022-09-13. Review status: criteria provided, single submitter. Criteria: ACMG Guidelines, 2015. Collection method: clinical testing. Allele origin: germline.

PreventionGenetics, part of Exact Sciences
Classification: Likely benign for SRD5A3-related condition. Last evaluated: 2020-01-20. Review status: no assertion criteria provided. Collection method: clinical testing. Allele origin: germline. Not counted in ClinVar's aggregate classification.
Comment: This variant is classified as likely benign based on ACMG/AMP sequence variant interpretation guidelines (Richards et al. 2015 PMID: 25741868, with internal and published modifications).

NM_024592.5(SRD5A3):c.837A>G (p.Leu279=)

Genes: SRD5A3 (steroid 5 alpha-reductase 3; plus strand), SRD5A3-AS1 (SRD5A3 antisense RNA 1; minus strand). Cytogenetic location: 4q12.
Variant type: single nucleotide variant.
Coding change: c.837A>G on transcript NM_024592.5 (MANE Select); coding-DNA position 837, A replaced by G.
Protein change: p.Leu279=; no amino-acid change (leucine 279 retained).
Molecular consequence: synonymous variant.
Genome position (GRCh38, 1-based): chr4:55,369,971, A>G. VCF-style: chr4-55369971-A-G. GRCh37 (hg19) VCF-style: chr4-56236138-A-G.
Identifiers: ClinVar variation 720347 (VCV000720347.11), dbSNP rs771882471, ClinGen allele CA2925405.